The following is an entry in ClinVar:

NM_004706.4(ARHGEF1):c.1052C>T (p.Pro351Leu)

Gene: ARHGEF1 (Rho guanine nucleotide exchange factor 1; plus strand). Cytogenetic location: 19q13.2.
Variant type: single nucleotide variant.
Coding change: c.1052C>T on transcript NM_004706.4 (MANE Select); coding-DNA position 1052, C replaced by T.
Protein change: p.Pro351Leu; replaces proline 351 with leucine.
Molecular consequence: missense variant. On other transcripts: non-coding transcript variant (2).
Genome position (GRCh38, 1-based): chr19:41,896,413, C>T. VCF-style: chr19-41896413-C-T. GRCh37 (hg19) VCF-style: chr19-42400486-C-T.
Other names: c.1052C>T, p.Pro351Leu (NM_001396000.1, NM_001396003.1, NM_001396006.1); c.953C>T, p.Pro318Leu (NM_001396002.1, NM_001396004.1, NM_198977.2); c.1097C>T, p.Pro366Leu (NM_199002.2); short protein forms P366L, P318L, P351L.
Identifiers: ClinVar variation 2454911 (VCV002454911.6), dbSNP rs370209568, ClinGen allele CA9466177.

ClinVar aggregate classification (germline): Uncertain significance. Review status: criteria provided, multiple submitters, no conflicts (2 of 4 stars). 2 submissions from 2 submitters: Uncertain significance (2). Last evaluated 2025-10-27.

Allele frequency attached by ClinVar (database versions not stated): gnomAD 0.00005; ESP Exome Variant Server 0.00008; gnomAD exomes 0.00002; TOPMed 0.00007.

Submissions (2):

Labcorp Genetics (formerly Invitae), Labcorp
Classification: Uncertain significance. Last evaluated: 2025-10-27. Review status: criteria provided, single submitter. Criteria: Invitae Variant Classification Sherloc (09022015). Collection method: clinical testing. Allele origin: germline.
Comment: This sequence change replaces proline, which is neutral and non-polar, with leucine, which is neutral and non-polar, at codon 366 of the ARHGEF1 protein (p.Pro366Leu). The frequency data for this variant in the population databases is considered unreliable, as metrics indicate poor data quality at this position in the gnomAD database. This variant has not been reported in the literature in individuals affected with ARHGEF1-related conditions. ClinVar contains an entry for this variant (Variation ID: 2454911). An algorithm developed to predict the effect of missense changes on protein structure and function outputs the following: PolyPhen-2: "Benign". The leucine amino acid residue is found in multiple mammalian species, which suggests that this missense change does not adversely affect protein function. In summary, the available evidence is currently insufficient to determine the role of this variant in disease. Therefore, it has been classified as a Variant of Uncertain Significance.

Ambry Genetics
Classification: Uncertain significance. Last evaluated: 2025-01-27. Review status: criteria provided, single submitter. Criteria: Ambry Variant Classification Scheme 2023. Collection method: clinical testing. Allele origin: germline.